The following is an entry in ClinVar:

NM_031433.4(MFRP):c.546A>G (p.Ile182Met)

Genes: C1QTNF5 (C1q and TNF related 5; minus strand), MFRP (membrane frizzled-related protein; minus strand). Cytogenetic location: 11q23.3.
Variant type: single nucleotide variant.
Coding change: c.546A>G on transcript NM_031433.4 (MANE Select); coding-DNA position 546, A replaced by G.
Protein change: p.Ile182Met; replaces isoleucine 182 with methionine.
Molecular consequence: missense variant. On other transcripts: 5 prime UTR variant (1).
Genome position (GRCh38, 1-based): chr11:119,345,515, T>C on the plus strand (A>G on the coding strand, the complement: MFRP is on the minus strand). VCF-style: chr11-119345515-T-C. GRCh37 (hg19) VCF-style: chr11-119216225-T-C.
Other names: c.-2091A>G (NM_015645.5); short protein forms I182M.
Identifiers: ClinVar variation 1042301 (VCV001042301.9), dbSNP rs557306519, ClinGen allele CA6320513.

ClinVar aggregate classification (germline): Uncertain significance. Review status: criteria provided, multiple submitters, no conflicts (2 of 4 stars). 3 submissions from 3 submitters: Uncertain significance (3). Last evaluated 2024-07-24.

Conditions:
Inborn genetic diseases. Identifiers: MedGen C0950123, MeSH D030342.
Isolated microphthalmia 5. Also called: Posterior Microphthalmia with Retinitis Pigmentosa, Foveoschisis, and Optic Disc Drusen. Identifiers: Orphanet 251279, MedGen C1970236, MONDO:0012605, OMIM 611040.

Allele frequency attached by ClinVar (database versions not stated): TOPMed 0.00008; 1000 Genomes Project 30x 0.00016; gnomAD 0.00005; gnomAD exomes below 0.00001 and 0.00001; ExAC 0.00001; 1000 Genomes Project 0.00020.
gnomAD v4.1: 13 of 1,614,136 alleles (0.00081%); highest among the groups gnomAD compares: Admixed American, 0.017%; no homozygotes.

Submissions (3):

Blueprint Genetics
Classification: Uncertain significance. Last evaluated: 2024-07-24. Review status: criteria provided, single submitter. Criteria: ACMG Guidelines, 2015. Collection method: clinical testing. Allele origin: germline.

Ambry Genetics
Classification: Uncertain significance for Inborn genetic diseases. Last evaluated: 2023-12-30. Review status: criteria provided, single submitter. Criteria: Ambry Variant Classification Scheme 2023. Collection method: clinical testing. Allele origin: germline.

Labcorp Genetics (formerly Invitae), Labcorp
Classification: Uncertain significance for Isolated microphthalmia 5. Last evaluated: 2022-02-10. Review status: criteria provided, single submitter. Criteria: Invitae Variant Classification Sherloc (09022015). Collection method: clinical testing. Allele origin: germline.
Comment: This sequence change replaces isoleucine, which is neutral and non-polar, with methionine, which is neutral and non-polar, at codon 182 of the MFRP protein (p.Ile182Met). This variant is present in population databases (rs557306519, gnomAD 0.003%). This variant has not been reported in the literature in individuals affected with MFRP-related conditions. ClinVar contains an entry for this variant (Variation ID: 1042301). Algorithms developed to predict the effect of missense changes on protein structure and function are either unavailable or do not agree on the potential impact of this missense change (SIFT: "Deleterious"; PolyPhen-2: "Probably Damaging"; Align-GVGD: "Class C0"). In summary, the available evidence is currently insufficient to determine the role of this variant in disease. Therefore, it has been classified as a Variant of Uncertain Significance.